The following is an entry in ClinVar:

NM_018089.3(ANKZF1):c.1255G>C (p.Glu419Gln)

Gene: ANKZF1 (ankyrin repeat and zinc finger peptidyl tRNA hydrolase 1; plus strand). Cytogenetic location: 2q35.
Variant type: single nucleotide variant.
Coding change: c.1255G>C on transcript NM_018089.3 (MANE Select); coding-DNA position 1255, G replaced by C.
Protein change: p.Glu419Gln; replaces glutamic acid 419 with glutamine.
Molecular consequence: missense variant.
Genome position (GRCh38, 1-based): chr2:219,234,876, G>C. VCF-style: chr2-219234876-G-C. GRCh37 (hg19) VCF-style: chr2-220099598-G-C.
Other names: c.1255G>C, p.Glu419Gln (NM_001042410.2); c.625G>C, p.Glu209Gln (NM_001282792.2); short protein forms E209Q, E419Q.
Identifiers: ClinVar variation 1388631 (VCV001388631.6), dbSNP rs371050271, ClinGen allele CA2121026.

ClinVar aggregate classification (germline): Uncertain significance (1 of 4 stars; one submission).

Allele frequency attached by ClinVar (database versions not stated): gnomAD exomes below 0.00001; ExAC 0.00001; ESP Exome Variant Server 0.00008.

Submission:

Labcorp Genetics (formerly Invitae), Labcorp
Classification: Uncertain significance. Last evaluated: 2021-10-22. Review status: criteria provided, single submitter. Criteria: Invitae Variant Classification Sherloc (09022015). Collection method: clinical testing. Allele origin: germline.
Comment: In summary, the available evidence is currently insufficient to determine the role of this variant in disease. Therefore, it has been classified as a Variant of Uncertain Significance. Algorithms developed to predict the effect of missense changes on protein structure and function are either unavailable or do not agree on the potential impact of this missense change (SIFT: "Deleterious"; PolyPhen-2: "Probably Damaging"; Align-GVGD: "Class C0"). This variant has not been reported in the literature in individuals affected with ANKZF1-related conditions. This variant is present in population databases (rs371050271, ExAC 0.01%). This sequence change replaces glutamic acid with glutamine at codon 419 of the ANKZF1 protein (p.Glu419Gln). The glutamic acid residue is moderately conserved and there is a small physicochemical difference between glutamic acid and glutamine.